The following is an entry in ClinVar:

ClinVar aggregate classification (germline): Likely pathogenic (1 of 4 stars; one submission).

Submission:

GeneDx
Classification: Likely pathogenic. Last evaluated: 2017-03-16. Review status: criteria provided, single submitter. Criteria: GeneDx Variant Classification (06012015). Collection method: clinical testing. Allele origin: germline. Affected: yes.
Comment: The I494S variant in the DDX3X gene has not been reported previously as a pathogenic variant, nor as a benign variant, to our knowledge. The I494S variant is not observed in large population cohorts (Lek et al., 2016; 1000 Genomes Consortium et al., 2015; Exome Variant Server). The I494S variant is a non-conservative amino acid substitution, which is likely to impact secondary protein structure as these residues differ in polarity, charge, size and/or other properties. This substitution occurs at a position that is conserved across species. In silico analysis predicts this variant is probably damaging to the protein structure/function. The I494S variant is a strong candidate for a pathogenic variant.

NM_001356.5(DDX3X):c.1481T>G (p.Ile494Ser)

Gene: DDX3X (DEAD-box helicase 3 X-linked; plus strand). Cytogenetic location: Xp11.4.
Variant type: single nucleotide variant.
Coding change: c.1481T>G on transcript NM_001356.5 (MANE Select); coding-DNA position 1481, T replaced by G.
Protein change: p.Ile494Ser; replaces isoleucine 494 with serine.
Molecular consequence: missense variant. On other transcripts: non-coding transcript variant (1).
Genome position (GRCh38, 1-based): chrX:41,346,394, T>G. VCF-style: chrX-41346394-T-G. GRCh37 (hg19) VCF-style: chrX-41205647-T-G.
Other names: c.1481T>G, p.Ile494Ser (NM_001193416.3); c.1433T>G, p.Ile478Ser (NM_001193417.3); c.923T>G, p.Ile308Ser (NM_001363819.1); short protein forms I494S, I308S, I478S.
Identifiers: ClinVar variation 424349 (VCV000424349.2), dbSNP rs1064796924, ClinGen allele CA16621390.